The following is an entry in ClinVar:

NM_016169.4(SUFU):c.125G>C (p.Arg42Pro)

Gene: SUFU (SUFU negative regulator of hedgehog signaling; plus strand). Cytogenetic location: 10q24.32.
Variant type: single nucleotide variant.
Coding change: c.125G>C on transcript NM_016169.4 (MANE Select); coding-DNA position 125, G replaced by C.
Protein change: p.Arg42Pro; replaces arginine 42 with proline.
Molecular consequence: missense variant.
Genome position (GRCh38, 1-based): chr10:102,504,277, G>C. VCF-style: chr10-102504277-G-C. GRCh37 (hg19) VCF-style: chr10-104264034-G-C.
Other names: c.125G>C, p.Arg42Pro (NM_001178133.2); short protein forms R42P.
Identifiers: ClinVar variation 5030366 (VCV005030366.1).

ClinVar aggregate classification (germline): Uncertain significance (1 of 4 stars; one submission).

Conditions:
Hereditary cancer-predisposing syndrome. Also called: Neoplastic Syndromes, Hereditary; Tumor predisposition; Hereditary neoplastic syndrome; Hereditary Cancer Syndrome. Identifiers: Orphanet 140162, MedGen C0027672, MeSH D009386, MONDO:0015356.

Submission:

Ambry Genetics
Classification: Uncertain significance for Hereditary cancer-predisposing syndrome. Last evaluated: 2026-07-06. Review status: criteria provided, single submitter. Criteria: Ambry Variant Classification Scheme 2023. Collection method: clinical testing. Allele origin: germline.
Comment: The p.R42P variant (also known as c.125G>C), located in coding exon 1 of the SUFU gene, results from a G to C substitution at nucleotide position 125. The arginine at codon 42 is replaced by proline, an amino acid with dissimilar properties. This amino acid position is conserved. In addition, this alteration is predicted to be deleterious by in silico analysis. Based on the available evidence, the clinical significance of this variant remains unclear.